The following is an entry in ClinVar:

ClinVar aggregate classification (germline): Uncertain significance (1 of 4 stars; one submission).

Conditions:
Episodic kinesigenic dyskinesia (EKD). Also called: Paroxysmal kinesigenic dyskinesia. Identifiers: Orphanet 98809, MedGen C1868682, MONDO:0044202.

Submission:

Labcorp Genetics (formerly Invitae), Labcorp
Classification: Uncertain significance for Episodic kinesigenic dyskinesia. Last evaluated: 2025-09-17. Review status: criteria provided, single submitter. Criteria: Invitae Variant Classification Sherloc (09022015). Collection method: clinical testing. Allele origin: germline.
Comment: This sequence change falls in intron 2 of the PRRT2 gene. It does not directly change the encoded amino acid sequence of the PRRT2 protein. It affects a nucleotide within the consensus splice site. This variant is not present in population databases (gnomAD no frequency). This variant has not been reported in the literature in individuals affected with PRRT2-related conditions. ClinVar contains an entry for this variant (Variation ID: 837496). Variants that disrupt the consensus splice site are a relatively common cause of aberrant splicing (PMID: 17576681, 9536098). Algorithms developed to predict the effect of sequence changes on RNA splicing suggest that this variant may disrupt the consensus splice site. In summary, the available evidence is currently insufficient to determine the role of this variant in disease. Therefore, it has been classified as a Variant of Uncertain Significance.

Literature cited by the submitters: PubMed 17576681; PubMed 9536098.

NM_145239.3(PRRT2):c.879+4A>C

Genes: MVP-DT (MVP divergent transcript; minus strand), PRRT2 (proline rich transmembrane protein 2; plus strand). Cytogenetic location: 16p11.2.
Variant type: single nucleotide variant.
Coding change: c.879+4A>C on transcript NM_145239.3 (MANE Select); 4 bases into the intron after coding-DNA position 879, A replaced by C.
Molecular consequence: intron variant. On other transcripts: missense variant (1).
Genome position (GRCh38, 1-based): chr16:29,813,937, A>C. VCF-style: chr16-29813937-A-C. GRCh37 (hg19) VCF-style: chr16-29825258-A-C.
Other names: c.883A>C, p.Ser295Arg (NM_001256443.2); c.879+4A>C (NM_001256442.2); short protein forms S295R.
Identifiers: ClinVar variation 837496 (VCV000837496.8), dbSNP rs1900118404, ClinGen allele CA395480285.